The following is an entry in ClinVar:

GRCh37/hg19 1p36.33-36.32(chr1:852863-4203509)x3

Genes: CFAP74 (cilia and flagella associated protein 74; minus strand), CPTP (ceramide-1-phosphate transfer protein; plus strand), MIR429 (microRNA 429; plus strand), MIR551A (microRNA 551a; minus strand), MMEL1 (membrane metalloendopeptidase like 1; minus strand) and 73 more. Cytogenetic location: 1p36.33-36.32.
Variant type: copy number gain.
Change: copy number 3 (three copies instead of two) of chr1:852,863-4,203,509 (3.35 Mb, GRCh37 coordinates, 1-based), cytogenetic band 1p36.33-36.32.
Identifiers: ClinVar variation 427642 (VCV000427642.3).

ClinVar aggregate classification (germline): Pathogenic (0 of 4 stars; one submission).

Conditions:
Distal trisomy 1p36. Identifiers: Orphanet 96069, MedGen C4707665, MONDO:0019870.

Submission:

Limoges University Hospital Laboratory, Limoges University Hospital
Classification: Pathogenic for Distal trisomy 1p36. Last evaluated: 2016-03-25. Review status: no assertion criteria provided. Collection method: clinical testing. Allele origin: maternal. Inheritance: Autosomal dominant inheritance. Affected: yes.
Comment: 1p36.3 microduplication syndrome is the mirror of the 1p36.3 microdeletion syndrome, it involves many genes, of which several are likely causal of phenotypical features observed in the syndrome

Literature cited by the submitters: PubMed 28811188.